The following is an entry in ClinVar:

ClinVar aggregate classification (germline): Pathogenic (1 of 4 stars; one submission).

Submission:

Quest Diagnostics Nichols Institute San Juan Capistrano
Classification: Pathogenic. Last evaluated: 2021-05-20. Review status: criteria provided, single submitter. Criteria: Quest Diagnostics criteria. Collection method: clinical testing. Allele origin: unknown.
Comment: This frameshift variant alters the translational reading frame of the BRCA2 mRNA and causes the premature termination of BRCA2 protein synthesis. To the best of our knowledge, the variant has not been reported in online databases or the published literature. This variant has not been reported in large, multi-ethnic general populations. Based on the available information, this variant is classified as pathogenic.

NM_000059.4(BRCA2):c.3145_3146delinsT (p.Asn1049fs)

Gene: BRCA2 (BRCA2 DNA repair associated; plus strand). Cytogenetic location: 13q13.1.
Variant type: Indel.
Coding change: c.3145_3146delinsT on transcript NM_000059.4 (MANE Select); coding-DNA positions 3145 to 3146, AA replaced by T.
Protein change: p.Asn1049fs; shifts the reading frame from asparagine 1049.
Molecular consequence: frameshift variant.
Genome position (GRCh38, 1-based): chr13:32,337,500-32,337,501, AA replaced by T. VCF-style: chr13-32337500-AA-T. GRCh37 (hg19) VCF-style: chr13-32911637-AA-T.
Other names: short protein forms N1049fs.
Identifiers: ClinVar variation 1330133 (VCV001330133.1), dbSNP rs2137493635, ClinGen allele CA2573053805.